The following is an entry in ClinVar:

NC_012920.1(MT-CO1):m.6120A>G

Gene: MT-CO1 (mitochondrially encoded cytochrome c oxidase I; plus strand).
Variant type: single nucleotide variant.
Genome position: chrM-6120-A-G.
Identifiers: ClinVar variation 235378 (VCV000235378.4), dbSNP rs878853023, ClinGen allele CA10581293.
Genomic context (GRCh38, chrMT:6,120, plus strand): 5'-ATCTACAACGTTATCGTCACAGCCCATGCATTTGTAATAATCTTCTTCATAGTAATACCC[A>G]TCATAATCGGAGGCTTTGGCAACTGACTAGTTCCCCTAATAATCGGTGCCCCCGATATGG-3'

ClinVar aggregate classification (germline): Uncertain significance. Review status: criteria provided, multiple submitters, no conflicts (2 of 4 stars). 2 submissions from 2 submitters: Uncertain significance (2). Last evaluated 2019-10-17.

Conditions:
Leigh syndrome (NULS). Also called: Leigh Syndrome (mtDNA deletion); Leigh's syndrome; LEIGH SYNDROME, NUCLEAR; Leigh Disease; Subacute necrotizing encephalopathy; Necrotizing encephalopathy infantile subacute of Leigh. Identifiers: Orphanet 506, MedGen C2931891, MONDO:0009723, OMIM 256000.

Submissions (2):

Wong Mito Lab, Molecular and Human Genetics, Baylor College of Medicine
Classification: Uncertain significance for Leigh syndrome. Last evaluated: 2019-10-17. Review status: criteria provided, single submitter. Criteria: Modified ACMG Guidelines (Unpublished). Collection method: clinical testing. Allele origin: germline.
Comment: The NC_012920.1:m.6120A>G (YP_003024028.1:p.Ile73Val) variant in MTCO1 gene is interpretated to be a Uncertain Significance variant based on the modified ACMG guidelines (unpublished). This variant meets the following evidence codes: no criteria

Center for Pediatric Genomic Medicine, Children's Mercy Hospital and Clinics
Classification: Uncertain significance. Last evaluated: 2015-12-22. Review status: criteria provided, single submitter. Criteria: ACMG Guidelines, 2015. Collection method: clinical testing. Allele origin: germline.
ClinVar note: Converted during submission from Uncertain Significance to Uncertain significance.